The following is an entry in ClinVar:

NM_001114753.3(ENG):c.524-15C>T

Gene: ENG (endoglin; minus strand). Cytogenetic location: 9q34.11.
Variant type: single nucleotide variant.
Coding change: c.524-15C>T on transcript NM_001114753.3 (MANE Select); 15 bases into the intron before coding-DNA position 524, C replaced by T.
Molecular consequence: intron variant.
Genome position (GRCh38, 1-based): chr9:127,825,875, G>A on the plus strand (C>T on the coding strand, the complement: ENG is on the minus strand). VCF-style: chr9-127825875-G-A. GRCh37 (hg19) VCF-style: chr9-130588154-G-A.
Other names: c.524-15C>T (NM_000118.4, NM_001406715.1); c.-23-15C>T (NM_001278138.2).
Identifiers: ClinVar variation 365092 (VCV000365092.25), dbSNP rs201463582, ClinGen allele CA5253096.

ClinVar aggregate classification (germline): Benign/Likely benign. Review status: criteria provided, multiple submitters, no conflicts (2 of 4 stars). 5 submissions from 5 submitters: Benign (4); Likely benign (1). Last evaluated 2026-02-02.

Conditions:
Hereditary hemorrhagic telangiectasia (HHT). Also called: ORW DISEASE; Osler Weber Rendu syndrome; OSLER-RENDU-WEBER DISEASE; Osler hemorrhagic telangiectasia syndrome. Identifiers: Orphanet 774, MedGen C0039445, MONDO:0019180. Disease mechanism: loss of function.
Telangiectasia, hereditary hemorrhagic, type 1 (HHT1). Also called: Osler Weber Rendu syndrome type 1; ENG-Related Hereditary Hemorrhagic Telangiectasia. Identifiers: Orphanet 774, MedGen C4551861, MONDO:0008535, OMIM 187300. Disease mechanism: loss of function.

Allele frequency attached by ClinVar (database versions not stated): gnomAD 0.00131 and 0.00114; TOPMed 0.00244; ExAC 0.00307; gnomAD exomes 0.00354 and 0.00073; 1000 Genomes Project 30x 0.00422; ESP Exome Variant Server 0.00039; 1000 Genomes Project 0.00339.
gnomAD v4.1: 1,239 of 1,577,134 alleles (0.079%); highest among the groups gnomAD compares: Admixed American, 1.8%; 11 homozygotes.

Submissions (5):

Labcorp Genetics (formerly Invitae), Labcorp
Classification: Benign for Hereditary hemorrhagic telangiectasia. Last evaluated: 2026-02-02. Review status: criteria provided, single submitter. Criteria: Invitae Variant Classification Sherloc (09022015). Collection method: clinical testing. Allele origin: germline.

ARUP Laboratories, Molecular Genetics and Genomics, ARUP Laboratories
Classification: Benign for Telangiectasia, hereditary hemorrhagic, type 1. Last evaluated: 2025-04-14. Review status: criteria provided, single submitter. Criteria: ARUP Molecular Germline Variant Investigation Process 2024. Collection method: clinical testing. Allele origin: germline.

Blueprint Genetics
Classification: Benign. Last evaluated: 2024-10-29. Review status: criteria provided, single submitter. Criteria: ACMG Guidelines, 2015. Collection method: clinical testing. Allele origin: germline.

GeneDx
Classification: Benign. Last evaluated: 2016-08-08. Review status: criteria provided, single submitter. Criteria: GeneDx Variant Classification (06012015). Collection method: clinical testing. Allele origin: germline. Affected: yes.
Comment: This variant is considered likely benign or benign based on one or more of the following criteria: it is a conservative change, it occurs at a poorly conserved position in the protein, it is predicted to be benign by multiple in silico algorithms, and/or has population frequency not consistent with disease.

Breakthrough Genomics
Classification: Likely benign. Review status: criteria provided, single submitter. Criteria: ACMG Guidelines, 2015. Collection method: not provided. Allele origin: germline. Inheritance: Autosomal dominant inheritance. Affected: yes.